The following is an entry in ClinVar:

NM_005068.3(SIM1):c.1970G>C (p.Arg657Pro)

Gene: SIM1 (SIM bHLH transcription factor 1; minus strand). Cytogenetic location: 6q16.3.
Variant type: single nucleotide variant.
Coding change: c.1970G>C on transcript NM_005068.3 (MANE Select); coding-DNA position 1970, G replaced by C.
Protein change: p.Arg657Pro; replaces arginine 657 with proline.
Molecular consequence: missense variant.
Genome position (GRCh38, 1-based): chr6:100,390,692, C>G on the plus strand (G>C on the coding strand, the complement: SIM1 is on the minus strand). VCF-style: chr6-100390692-C-G. GRCh37 (hg19) VCF-style: chr6-100838568-C-G.
Other names: c.1970G>C, p.Arg657Pro (NM_001374769.1); short protein forms R657P.
Identifiers: ClinVar variation 4724292 (VCV004724292.1).

ClinVar aggregate classification (germline): Uncertain significance (1 of 4 stars; one submission).

gnomAD v4.1: 2 of 1,613,934 alleles (0.00012%); highest among the groups gnomAD compares: East Asian, 0.0045%; no homozygotes.

Submission:

Labcorp Genetics (formerly Invitae), Labcorp
Classification: Uncertain significance. Last evaluated: 2025-08-07. Review status: criteria provided, single submitter. Criteria: Invitae Variant Classification Sherloc (09022015). Collection method: clinical testing. Allele origin: germline.
Comment: This sequence change replaces arginine, which is basic and polar, with proline, which is neutral and non-polar, at codon 657 of the SIM1 protein (p.Arg657Pro). This variant is present in population databases (no rsID available, gnomAD 0.01%). This variant has not been reported in the literature in individuals affected with SIM1-related conditions. An algorithm developed to predict the effect of missense changes on protein structure and function (PolyPhen-2) suggests that this variant is likely to be disruptive. In summary, the available evidence is currently insufficient to determine the role of this variant in disease. Therefore, it has been classified as a Variant of Uncertain Significance.